The following is an entry in ClinVar:

ClinVar aggregate classification (germline): Uncertain significance (1 of 4 stars; one submission).

Conditions:
Nephronophthisis. Also called: Juvenile Nephronophthisis. Identifiers: Orphanet 655, MedGen C0687120, MONDO:0019005, HP:0000090.

Submission:

Labcorp Genetics (formerly Invitae), Labcorp
Classification: Uncertain significance for Nephronophthisis. Last evaluated: 2024-10-08. Review status: criteria provided, single submitter. Criteria: Invitae Variant Classification Sherloc (09022015). Collection method: clinical testing. Allele origin: germline.
Comment: This sequence change replaces alanine, which is neutral and non-polar, with glutamic acid, which is acidic and polar, at codon 530 of the IQCB1 protein (p.Ala530Glu). This variant is not present in population databases (gnomAD no frequency). This variant has not been reported in the literature in individuals affected with IQCB1-related conditions. ClinVar contains an entry for this variant (Variation ID: 1416514). Invitae Evidence Modeling of protein sequence and biophysical properties (such as structural, functional, and spatial information, amino acid conservation, physicochemical variation, residue mobility, and thermodynamic stability) indicates that this missense variant is not expected to disrupt IQCB1 protein function with a negative predictive value of 80%. In summary, the available evidence is currently insufficient to determine the role of this variant in disease. Therefore, it has been classified as a Variant of Uncertain Significance.

NM_001023570.4(IQCB1):c.1589C>A (p.Ala530Glu)

Gene: IQCB1 (IQ motif containing B1; minus strand). Cytogenetic location: 3q13.33.
Variant type: single nucleotide variant.
Coding change: c.1589C>A on transcript NM_001023570.4 (MANE Select); coding-DNA position 1589, C replaced by A.
Protein change: p.Ala530Glu; replaces alanine 530 with glutamic acid.
Molecular consequence: missense variant. On other transcripts: non-coding transcript variant (1).
Genome position (GRCh38, 1-based): chr3:121,770,553, G>T on the plus strand (C>A on the coding strand, the complement: IQCB1 is on the minus strand). VCF-style: chr3-121770553-G-T. GRCh37 (hg19) VCF-style: chr3-121489400-G-T.
Other names: c.1190C>A, p.Ala397Glu (NM_001023571.4); c.1589C>A, p.Ala530Glu (NM_001319107.2); short protein forms A397E, A530E.
Identifiers: ClinVar variation 1416514 (VCV001416514.6), dbSNP rs2108503429, ClinGen allele CA354109239.